The following is an entry in ClinVar:

ClinVar aggregate classification (germline): Pathogenic/Likely pathogenic. Review status: criteria provided, multiple submitters, no conflicts (2 of 4 stars). 6 submissions from 6 submitters: Pathogenic (4); Likely pathogenic (1). 1 of the submissions does not count toward it. Last evaluated 2024-11-26.

Conditions:
Mucopolysaccharidosistype IIIB.
NAGLU-related disorder. Also called: NAGLU-related condition.
Mucopolysaccharidosis, MPS-III-B (MPS3B). Also called: SANFILIPPO SYNDROME B; MPS III B; MUCOPOLYSACCHARIDOSIS, TYPE IIIB; Mucopolysaccharidosis type IIIB (Sanfilippo B); MPS IIIB (Sanfilippo Syndrome Type B); N-ACETYL-ALPHA-D-GLUCOSAMINIDASE DEFICIENCY. Identifiers: Orphanet 79270, MedGen C0086648, MONDO:0009656, OMIM 252920.
Charcot-Marie-Tooth disease axonal type 2V. Also called: CHARCOT-MARIE-TOOTH NEUROPATHY, TYPE 2V; CHARCOT-MARIE-TOOTH DISEASE, AXONAL, AUTOSOMAL DOMINANT, TYPE 2V. Identifiers: Orphanet 447964, MedGen C5569050, MONDO:0014665, OMIM 616491.

Allele frequency attached by ClinVar (database versions not stated): gnomAD exomes below 0.00001; ExAC 0.00001.

Submissions (6):

Women's Health and Genetics/Laboratory Corporation of America, LabCorp
Classification: Pathogenic for Mucopolysaccharidosis, MPS-III-B. Last evaluated: 2024-11-26. Review status: criteria provided, single submitter. Criteria: LabCorp Variant Classification Summary - May 2015. Collection method: clinical testing. Allele origin: germline.
Comment: Variant summary: NAGLU c.1336G>A (p.Glu446Lys) results in a conservative amino acid change located in the Alpha-N-acetylglucosaminidase, tim-barrel domain (IPR024733) of the encoded protein sequence. Four of five in-silico tools predict a damaging effect of the variant on protein function. The variant allele was found at a frequency of 4e-06 in 249170 control chromosomes. c.1336G>A has been reported in the literature in individuals affected with Mucopolysaccharidosis Type IIIB (Sanfilippo Syndrome B)(e.g. Beesley_2004, Cheema_2020). These data indicate that the variant is likely to be associated with disease. At least two publications report experimental evidence evaluating an impact on protein function (e.g. Beesley_2004, Clark_2018). The most pronounced variant effect results in <10% of normal activity. The following publications have been ascertained in the context of this evaluation (PMID: 14984474, 33083013, 29979746). ClinVar contains an entry for this variant (Variation ID: 553423). Based on the evidence outlined above, the variant was classified as pathogenic.

Fulgent Genetics
Classification: Likely pathogenic for Mucopolysaccharidosis, MPS-III-B; Charcot-Marie-Tooth disease axonal type 2V. Last evaluated: 2024-06-13. Review status: criteria provided, single submitter. Criteria: ACMG Guidelines, 2015. Collection method: clinical testing. Allele origin: germline.

Labcorp Genetics (formerly Invitae), Labcorp
Classification: Pathogenic for Charcot-Marie-Tooth disease axonal type 2V; Mucopolysaccharidosis, MPS-III-B. Last evaluated: 2024-01-19. Review status: criteria provided, single submitter. Criteria: Invitae Variant Classification Sherloc (09022015). Collection method: clinical testing. Allele origin: germline.
Comment: This sequence change replaces glutamic acid, which is acidic and polar, with lysine, which is basic and polar, at codon 446 of the NAGLU protein (p.Glu446Lys). This variant is present in population databases (rs114625063, gnomAD 0.0009%). This missense change has been observed in individual(s) with mucopolysaccharidosis type IIIB (PMID: 33083013). ClinVar contains an entry for this variant (Variation ID: 553423). Advanced modeling of protein sequence and biophysical properties (such as structural, functional, and spatial information, amino acid conservation, physicochemical variation, residue mobility, and thermodynamic stability) performed at Invitae indicates that this missense variant is expected to disrupt NAGLU protein function with a positive predictive value of 95%. Experimental studies have shown that this missense change affects NAGLU function (PMID: 14984474, 29979746). For these reasons, this variant has been classified as Pathogenic.

Blueprint Genetics
Classification: Pathogenic for NAGLU-related disorders. Last evaluated: 2022-09-16. Review status: criteria provided, single submitter. Criteria: ACMG Guidelines, 2015. Collection method: clinical testing. Allele origin: germline. Affected: yes. Observed: 1 variant allele.

CENTOGENE GmbH and LLC - Guiding Precision Medicine
Classification: Pathogenic for Mucopolysaccharidosistype IIIB. Review status: criteria provided, single submitter. Criteria: ACMG Guidelines, 2015. Collection method: clinical testing. Allele origin: germline. Affected: yes.

Counsyl
Classification: Uncertain significance for Mucopolysaccharidosis, MPS-III-B. Last evaluated: 2017-08-18. Review status: no assertion criteria provided. Collection method: clinical testing. Allele origin: unknown. Not counted in ClinVar's aggregate classification.

Literature cited by the submitters: PubMed 29979746 (cited by Women's Health and Genetics/Laboratory Corporation of America, LabCorp and Labcorp Genetics (formerly Invitae), Labcorp); PubMed 14984474 (cited by 3 submitters); PubMed 33083013 (cited by Women's Health and Genetics/Laboratory Corporation of America, LabCorp and Labcorp Genetics (formerly Invitae), Labcorp).

NM_000263.4(NAGLU):c.1336G>A (p.Glu446Lys)

Gene: NAGLU (N-acetyl-alpha-glucosaminidase; plus strand). Cytogenetic location: 17q21.2.
Variant type: single nucleotide variant.
Coding change: c.1336G>A on transcript NM_000263.4 (MANE Select); coding-DNA position 1336, G replaced by A.
Protein change: p.Glu446Lys; replaces glutamic acid 446 with lysine.
Molecular consequence: missense variant.
Genome position (GRCh38, 1-based): chr17:42,543,342, G>A. VCF-style: chr17-42543342-G-A. GRCh37 (hg19) VCF-style: chr17-40695360-G-A.
Other names: short protein forms E446K.
Identifiers: ClinVar variation 553423 (VCV000553423.10), dbSNP rs114625063, ClinGen allele CA8577002.